The following is an entry in ClinVar:

ClinVar aggregate classification (germline): Likely benign. Review status: criteria provided, multiple submitters, no conflicts (2 of 4 stars). 4 submissions from 4 submitters: Likely benign (4). Last evaluated 2026-01-31.

Conditions:
Carney complex, type 1 (CNC1). Also called: CARNEY MYXOMA-ENDOCRINE COMPLEX; CARNEY COMPLEX, TYPE I. Identifiers: Orphanet 1359, MedGen C2607929, MONDO:0008057, OMIM 160980.
Familial atrial myxoma. Identifiers: Orphanet 615, MedGen C2931787, MONDO:0009719, OMIM 255960.

Allele frequency attached by ClinVar (database versions not stated): gnomAD 0.00001; ExAC 0.00002; gnomAD exomes 0.00002 and 0.00003; TOPMed 0.00002.
gnomAD v4.1: 33 of 1,595,390 alleles (0.0021%); highest among the groups gnomAD compares: Middle Eastern, 0.05%; no homozygotes.

Submissions (4):

Labcorp Genetics (formerly Invitae), Labcorp
Classification: Likely benign for Carney complex, type 1. Last evaluated: 2026-01-31. Review status: criteria provided, single submitter. Criteria: Invitae Variant Classification Sherloc (09022015). Collection method: clinical testing. Allele origin: germline.

Blueprint Genetics
Classification: Likely benign. Last evaluated: 2024-10-16. Review status: criteria provided, single submitter. Criteria: ACMG Guidelines, 2015. Collection method: clinical testing. Allele origin: germline.

KCCC/NGS Laboratory, Kuwait Cancer Control Center
Classification: Likely benign for Familial atrial myxoma. Last evaluated: 2023-07-07. Review status: criteria provided, single submitter. Criteria: ACMG Guidelines, 2015. Collection method: clinical testing. Allele origin: germline. Affected: yes.

Women's Health and Genetics/Laboratory Corporation of America, LabCorp
Classification: Likely benign. Last evaluated: 2018-01-22. Review status: criteria provided, single submitter. Criteria: LabCorp Variant Classification Summary - May 2015. Collection method: clinical testing. Allele origin: germline.
Comment: Variant summary: The PRKAR1A c.549+10A>C variant involves the alteration of a non-conserved intronic nucleotide. One in silico tool predicts a disease-causing outcome for this variant. 5/5 splice prediction tools predict no significant impact on normal splicing. However, these predictions have yet to be confirmed by functional studies. This variant was found in 5/245884 control chromosomes at a frequency of 0.0000203, which is approximately 11 times the estimated maximal expected allele frequency of a pathogenic PRKAR1A variant (0.0000019), suggesting this variant is likely a benign polymorphism, although the allele count is somewhat low. In addition, one clinical diagnostic laboratory classified this variant as likely benign. The variant of interest has not, to our knowledge, been reported in affected individuals via publications, nor evaluated for functional impact by in vivo/vitro studies. Taken together, this variant is classified as likely benign.

NM_002734.5(PRKAR1A):c.549+10A>C

Gene: PRKAR1A (protein kinase cAMP-dependent type I regulatory subunit alpha; plus strand). Cytogenetic location: 17q24.2.
Variant type: single nucleotide variant.
Coding change: c.549+10A>C on transcript NM_002734.5 (MANE Select); 10 bases into the intron after coding-DNA position 549, A replaced by C.
Molecular consequence: intron variant.
Genome position (GRCh38, 1-based): chr17:68,524,968, A>C. VCF-style: chr17-68524968-A-C. GRCh37 (hg19) VCF-style: chr17-66521109-A-C.
Other names: c.549+10A>C (NM_001278433.2, NM_001369389.1, NM_212471.3 and 5 more transcripts).
Identifiers: ClinVar variation 413791 (VCV000413791.14), dbSNP rs751413552, ClinGen allele CA8729301.